The following is an entry in ClinVar:

NM_000051.4(ATM):c.5523A>G (p.Val1841=)

Gene: ATM (ATM serine/threonine kinase; plus strand). Cytogenetic location: 11q22.3.
Variant type: single nucleotide variant.
Coding change: c.5523A>G on transcript NM_000051.4 (MANE Select); coding-DNA position 5523, A replaced by G.
Protein change: p.Val1841=; no amino-acid change (valine 1841 retained).
Molecular consequence: synonymous variant.
Genome position (GRCh38, 1-based): chr11:108,304,701, A>G. VCF-style: chr11-108304701-A-G. GRCh37 (hg19) VCF-style: chr11-108175428-A-G.
Other names: c.5523A>G (NM_000051.3); c.5523A>G, p.Val1841= (NM_001351834.2).
Identifiers: ClinVar variation 1640755 (VCV001640755.10), dbSNP rs1060504268, ClinGen allele CA476675116.
Genomic context (GRCh38, chr11:108,304,701, plus strand): 5'-CAAACTATTGGGTGGATTTGTTTGTATATTCTAGGTGAAAACTGACTTTTGTCAGACTGT[A>G]CTTCCATACTTGATTCATGATATTTTACTCCAAGATACAAATGAATCATGGAGAAATCTG-3'
Protein context (NP_000042.3, residues 1831-1851): CEVKTDFCQT[Val1841=]LPYLIHDILL

ClinVar aggregate classification (germline): Benign/Likely benign. Review status: criteria provided, multiple submitters, no conflicts (2 of 4 stars). 3 submissions from 3 submitters: Benign (1); Likely benign (2). Last evaluated 2024-08-31.

Conditions:
Familial cancer of breast. Also called: Hereditary breast cancer; hereditary breast carcinoma; BREAST CANCER, FAMILIAL. Identifiers: Orphanet 227535, MedGen C0346153, MONDO:0016419, OMIM 114480. Disease mechanism: loss of function.
Hereditary cancer-predisposing syndrome. Also called: Tumor predisposition; Hereditary neoplastic syndrome; Neoplastic Syndromes, Hereditary; Hereditary Cancer Syndrome. Identifiers: Orphanet 140162, MedGen C0027672, MeSH D009386, MONDO:0015356.
Ataxia-telangiectasia syndrome (AT). Also called: ATAXIA-TELANGIECTASIA, COMPLEMENTATION GROUP A; Ataxia-telangiectasia; Ataxia telangiectasia (A-T); Cerebello-oculocutaneous telangiectasia; Immunodeficiency with ataxia telangiectasia; LOUIS-BAR SYNDROME. Identifiers: Orphanet 100, MedGen C0004135, MONDO:0008840, OMIM 208900.

Allele frequency attached by ClinVar (database versions not stated): gnomAD exomes below 0.00001.
gnomAD v4.1: 1 of 1,613,974 alleles (0.000062%); highest among the groups gnomAD compares: Non-Finnish European, 0.000085%; no homozygotes.

Submissions (3):

Labcorp Genetics (formerly Invitae), Labcorp
Classification: Likely benign for Ataxia-telangiectasia syndrome. Last evaluated: 2024-08-31. Review status: criteria provided, single submitter. Criteria: Invitae Variant Classification Sherloc (09022015). Collection method: clinical testing. Allele origin: germline.

Ambry Genetics
Classification: Likely benign for Hereditary cancer-predisposing syndrome. Last evaluated: 2024-08-21. Review status: criteria provided, single submitter. Criteria: Ambry Variant Classification Scheme 2023. Collection method: clinical testing. Allele origin: germline.

Myriad Genetics, Inc.
Classification: Benign for Familial cancer of breast. Last evaluated: 2024-05-23. Review status: criteria provided, single submitter. Criteria: Myriad Autosomal Dominant, Autosomal Recessive and X-Linked Classification Criteria (2023). Collection method: clinical testing. Allele origin: unknown.
Comment: This variant is considered benign. This variant is a silent/synonymous amino acid change and it is not expected to impact splicing.